The following is an entry in ClinVar:

ClinVar aggregate classification (germline): Uncertain significance (1 of 4 stars; one submission).

Conditions:
Spastic ataxia 2. Also called: Ataxia, spastic, 2, autosomal recessive. Identifiers: Orphanet 397946, MedGen C1969796, MONDO:0012651, OMIM 611302.

gnomAD v4.1: 1 of 1,581,322 alleles (0.000063%); highest among the groups gnomAD compares: Non-Finnish European, 0.000086%; no homozygotes.

Submission:

Labcorp Genetics (formerly Invitae), Labcorp
Classification: Uncertain significance for Spastic ataxia 2. Last evaluated: 2025-07-30. Review status: criteria provided, single submitter. Criteria: Invitae Variant Classification Sherloc (09022015). Collection method: clinical testing. Allele origin: germline.
Comment: This sequence change replaces glycine, which is neutral and non-polar, with arginine, which is basic and polar, at codon 767 of the KIF1C protein (p.Gly767Arg). This variant is not present in population databases (gnomAD no frequency). This variant has not been reported in the literature in individuals affected with KIF1C-related conditions. An algorithm developed to predict the effect of missense changes on protein structure and function (PolyPhen-2) suggests that this variant is likely to be tolerated. In summary, the available evidence is currently insufficient to determine the role of this variant in disease. Therefore, it has been classified as a Variant of Uncertain Significance.

NM_006612.6(KIF1C):c.2299G>C (p.Gly767Arg)

Gene: KIF1C (kinesin family member 1C; plus strand). Cytogenetic location: 17p13.2.
Variant type: single nucleotide variant.
Coding change: c.2299G>C on transcript NM_006612.6 (MANE Select); coding-DNA position 2299, G replaced by C.
Protein change: p.Gly767Arg; replaces glycine 767 with arginine.
Molecular consequence: missense variant.
Genome position (GRCh38, 1-based): chr17:5,022,380, G>C. VCF-style: chr17-5022380-G-C. GRCh37 (hg19) VCF-style: chr17-4925675-G-C.
Other names: short protein forms G767R.
Identifiers: ClinVar variation 4694734 (VCV004694734.1).